The following is an entry in ClinVar:

ClinVar aggregate classification (germline): Likely benign. Review status: criteria provided, multiple submitters, no conflicts (2 of 4 stars). 2 submissions from 2 submitters: Likely benign (2). Last evaluated 2026-01-26.

Conditions:
Malignant hyperthermia, susceptibility to, 1 (MHS1). Also called: Malignant hyperthermia suceptibility 1; Anesthesia related hyperthermia; Malignant hyperpyrexia; Fulminating hyperpyrexia; Pharmacogenic myopathy; RYR1-Related Malignant Hyperthermia Susceptibility. Identifiers: Orphanet 423, MedGen C2930980, MONDO:0007783, OMIM 145600.
RYR1-related disorder. Also called: RYR1-related disorders; RYR1-related condition. Identifiers: MedGen CN239331.

Allele frequency attached by ClinVar (database versions not stated): gnomAD exomes 0.00001.
gnomAD v4.1: 10 of 1,614,062 alleles (0.00062%); highest among the groups gnomAD compares: East Asian, 0.022%; no homozygotes.

Submissions (2):

Labcorp Genetics (formerly Invitae), Labcorp
Classification: Likely benign for RYR1-related disorder. Last evaluated: 2026-01-26. Review status: criteria provided, single submitter. Criteria: Invitae Variant Classification Sherloc (09022015). Collection method: clinical testing. Allele origin: germline.

All of Us Research Program, National Institutes of Health
Classification: Likely benign for Malignant hyperthermia, susceptibility to, 1. Last evaluated: 2023-08-15. Review status: criteria provided, single submitter. Criteria: ACMG Guidelines, 2015. Collection method: clinical testing. Allele origin: germline. Inheritance: Autosomal dominant inheritance. Observed: 1 variant allele, 1 heterozygote.
Comment: This study involves interpretation of variants in research participants for the purpose of population health screening. Participant phenotype was not available at the time of variant classification. Additional details can be found in publication PMID: 35346344, PMCID: PMC8962531

NM_000540.3(RYR1):c.8232-10C>T

Gene: RYR1 (ryanodine receptor 1; plus strand). Cytogenetic location: 19q13.2.
Variant type: single nucleotide variant.
Coding change: c.8232-10C>T on transcript NM_000540.3 (MANE Select); 10 bases into the intron before coding-DNA position 8232, C replaced by T.
Molecular consequence: intron variant.
Genome position (GRCh38, 1-based): chr19:38,504,993, C>T. VCF-style: chr19-38504993-C-T. GRCh37 (hg19) VCF-style: chr19-38995633-C-T.
Other names: c.8232-10C>T (NM_001042723.2).
Identifiers: ClinVar variation 1668912 (VCV001668912.9), dbSNP rs1970375792, ClinGen allele CA2335055937.